The following is an entry in ClinVar:

ClinVar aggregate classification (germline): Conflicting classifications of pathogenicity. Review status: criteria provided, conflicting classifications (1 of 4 stars). 5 submissions from 5 submitters: Uncertain significance (3); Likely benign (1). 1 of the submissions does not count toward it. Last evaluated 2026-01-13.

Conditions:
Primary ciliary dyskinesia 33. Also called: CILIARY DYSKINESIA, PRIMARY, 33, WITHOUT SITUS INVERSUS. Identifiers: Orphanet 244, MedGen C4225230, MONDO:0014750, OMIM 616726.
GAS8-related disorder. Also called: GAS8-related condition.

Allele frequency attached by ClinVar (database versions not stated): ESP Exome Variant Server 0.00015; gnomAD exomes 0.00040 and 0.00057; ExAC 0.00042; gnomAD 0.00058; TOPMed 0.00093; 1000 Genomes Project 0.00100; 1000 Genomes Project 30x 0.00141.
gnomAD v4.1: 689 of 1,614,028 alleles (0.043%); highest among the groups gnomAD compares: Admixed American, 0.29%; 2 homozygotes.

Submissions (5):

Labcorp Genetics (formerly Invitae), Labcorp
Classification: Likely benign for Primary ciliary dyskinesia 33. Last evaluated: 2026-01-13. Review status: criteria provided, single submitter. Criteria: Invitae Variant Classification Sherloc (09022015). Collection method: clinical testing. Allele origin: germline.

Blueprint Genetics
Classification: Uncertain significance. Last evaluated: 2024-07-30. Review status: criteria provided, single submitter. Criteria: ACMG Guidelines, 2015. Collection method: clinical testing. Allele origin: germline.

GeneDx
Classification: Uncertain significance. Last evaluated: 2023-01-05. Review status: criteria provided, single submitter. Criteria: GeneDx Variant Classification Process June 2021. Collection method: clinical testing. Allele origin: germline. Affected: yes.
Comment: In silico analysis supports that this missense variant does not alter protein structure/function; Has not been previously published as pathogenic or benign to our knowledge

Baylor Genetics
Classification: Uncertain significance for Primary ciliary dyskinesia 33. Last evaluated: 2018-06-06. Review status: criteria provided, single submitter. Criteria: ACMG Guidelines, 2015. Collection method: clinical testing. Allele origin: maternal. Affected: yes.
Comment: This variant was determined to be of uncertain significance according to ACMG Guidelines, 2015 [PMID:25741868].

PreventionGenetics, part of Exact Sciences
Classification: Likely benign for GAS8-related condition. Last evaluated: 2023-06-05. Review status: no assertion criteria provided. Collection method: clinical testing. Allele origin: germline. Not counted in ClinVar's aggregate classification.
Comment: This variant is classified as likely benign based on ACMG/AMP sequence variant interpretation guidelines (Richards et al. 2015 PMID: 25741868, with internal and published modifications).

NM_001481.3(DRC4):c.841G>C (p.Asp281His)

Gene: DRC4 (dynein regulatory complex subunit 4; plus strand). Cytogenetic location: 16q24.3.
Variant type: single nucleotide variant.
Coding change: c.841G>C on transcript NM_001481.3 (MANE Select); coding-DNA position 841, G replaced by C.
Protein change: p.Asp281His; replaces aspartic acid 281 with histidine.
Molecular consequence: missense variant.
Genome position (GRCh38, 1-based): chr16:90,037,316, G>C. VCF-style: chr16-90037316-G-C. GRCh37 (hg19) VCF-style: chr16-90103724-G-C.
Other names: c.592G>C, p.Asp198His (NM_001286205.2); c.265G>C, p.Asp89His (NM_001286208.2); c.766G>C, p.Asp256His (NM_001286209.2); short protein forms D256H, D281H, D89H, D198H.
Identifiers: ClinVar variation 542273 (VCV000542273.16), dbSNP rs139167960, ClinGen allele CA8257997.